The following is an entry in ClinVar:

NM_001918.5(DBT):c.1230A>C (p.Lys410Asn)

Gene: DBT (dihydrolipoamide branched chain transacylase E2; minus strand). Cytogenetic location: 1p21.2.
Variant type: single nucleotide variant.
Coding change: c.1230A>C on transcript NM_001918.5 (MANE Select); coding-DNA position 1230, A replaced by C.
Protein change: p.Lys410Asn; replaces lysine 410 with asparagine.
Molecular consequence: missense variant. On other transcripts: non-coding transcript variant (4).
Genome position (GRCh38, 1-based): chr1:100,206,281, T>G on the plus strand (A>C on the coding strand, the complement: DBT is on the minus strand). VCF-style: chr1-100206281-T-G. GRCh37 (hg19) VCF-style: chr1-100671837-T-G.
Other names: c.687A>C, p.Lys229Asn (NM_001399969.1, NM_001399972.1); short protein forms K229N, K410N.
Identifiers: ClinVar variation 2060661 (VCV002060661.1), dbSNP rs1215964536, ClinGen allele CA341330066.

ClinVar aggregate classification (germline): Uncertain significance (1 of 4 stars; one submission).

Conditions:
Maple syrup urine disease (MSUD). Identifiers: Orphanet 511, MedGen C0024776, MeSH D008375, MONDO:0009563. Disease mechanism: loss of function.

Allele frequency attached by ClinVar (database versions not stated): gnomAD exomes 0.00001.

Submission:

Labcorp Genetics (formerly Invitae), Labcorp
Classification: Uncertain significance for Maple syrup urine disease. Last evaluated: 2022-04-10. Review status: criteria provided, single submitter. Criteria: Invitae Variant Classification Sherloc (09022015). Collection method: clinical testing. Allele origin: germline.
Comment: This sequence change replaces lysine, which is basic and polar, with asparagine, which is neutral and polar, at codon 410 of the DBT protein (p.Lys410Asn). This variant is present in population databases (no rsID available, gnomAD 0.002%). This variant has not been reported in the literature in individuals affected with DBT-related conditions. Advanced modeling of protein sequence and biophysical properties (such as structural, functional, and spatial information, amino acid conservation, physicochemical variation, residue mobility, and thermodynamic stability) performed at Invitae indicates that this missense variant is not expected to disrupt DBT protein function. In summary, the available evidence is currently insufficient to determine the role of this variant in disease. Therefore, it has been classified as a Variant of Uncertain Significance.